The following is an entry in ClinVar:

ClinVar aggregate classification (germline): Likely benign. Review status: criteria provided, multiple submitters, no conflicts (2 of 4 stars). 3 submissions from 3 submitters: Likely benign (2). 1 of the submissions does not count toward it. Last evaluated 2025-03-17.

Conditions:
Short-rib thoracic dysplasia 10 with or without polydactyly (SRTD10). Identifiers: Orphanet 474, MedGen C3810175, MONDO:0014284, OMIM 615630.
Retinitis pigmentosa 71 (RP71). Identifiers: Orphanet 791, MedGen C4225342, MONDO:0014618, OMIM 616394.
IFT172-related disorder. Also called: IFT172-related condition; IFT172-related disorders.

Allele frequency attached by ClinVar (database versions not stated): gnomAD 0.00003 and 0.00004; ExAC 0.00002; gnomAD exomes 0.00008 and 0.00002; TOPMed 0.00003; ESP Exome Variant Server 0.00008.
gnomAD v4.1: 118 of 1,614,064 alleles (0.0073%); highest among the groups gnomAD compares: Non-Finnish European, 0.0098%; no homozygotes.

Submissions (3):

Labcorp Genetics (formerly Invitae), Labcorp
Classification: Likely benign for Retinitis pigmentosa 71; Short-rib thoracic dysplasia 10 with or without polydactyly. Last evaluated: 2025-03-17. Review status: criteria provided, single submitter. Criteria: Invitae Variant Classification Sherloc (09022015). Collection method: clinical testing. Allele origin: germline.

Blueprint Genetics
Classification: Likely benign. Last evaluated: 2022-11-11. Review status: criteria provided, single submitter. Criteria: ACMG Guidelines, 2015. Collection method: clinical testing. Allele origin: germline.

PreventionGenetics, part of Exact Sciences
Classification: Likely benign for IFT172-related condition. Last evaluated: 2020-10-21. Review status: no assertion criteria provided. Collection method: clinical testing. Allele origin: germline. Not counted in ClinVar's aggregate classification.
Comment: This variant is classified as likely benign based on ACMG/AMP sequence variant interpretation guidelines (Richards et al. 2015 PMID: 25741868, with internal and published modifications).

NM_015662.3(IFT172):c.4816-6C>T

Genes: KRTCAP3 (keratinocyte associated protein 3; plus strand), IFT172 (intraflagellar transport 172; minus strand). Cytogenetic location: 2p23.3.
Variant type: single nucleotide variant.
Coding change: c.4816-6C>T on transcript NM_015662.3 (MANE Select); 6 bases into the intron before coding-DNA position 4816, C replaced by T.
Molecular consequence: intron variant.
Genome position (GRCh38, 1-based): chr2:27,445,849, G>A on the plus strand (C>T on the coding strand, the complement: IFT172 is on the minus strand). VCF-style: chr2-27445849-G-A. GRCh37 (hg19) VCF-style: chr2-27668716-G-A.
Other names: c.*6-452G>A (NM_001168364.2); c.4750-6C>T (NM_001410739.1).
Identifiers: ClinVar variation 1595311 (VCV001595311.12), dbSNP rs367782557, ClinGen allele CA1579447.